The following is an entry in ClinVar:

ClinVar aggregate classification (germline): Uncertain significance. Review status: criteria provided, multiple submitters, no conflicts (2 of 4 stars). 2 submissions from 2 submitters: Uncertain significance (2). Last evaluated 2025-07-03.

Conditions:
Hereditary cancer-predisposing syndrome. Also called: Hereditary Cancer Syndrome; Hereditary neoplastic syndrome; Tumor predisposition; Neoplastic Syndromes, Hereditary. Identifiers: Orphanet 140162, MedGen C0027672, MeSH D009386, MONDO:0015356.
Familial cancer of breast. Also called: BREAST CANCER, FAMILIAL; hereditary breast carcinoma; Hereditary breast cancer. Identifiers: Orphanet 227535, MedGen C0346153, MONDO:0016419, OMIM 114480. Disease mechanism: loss of function.
Fanconi anemia complementation group J. Also called: BRIP1-Related Fanconi Anemia. Identifiers: Orphanet 84, MedGen C1836860, MONDO:0012187, OMIM 609054.

Allele frequency attached by ClinVar (database versions not stated): TOPMed below 0.00001.

Submissions (2):

Ambry Genetics
Classification: Uncertain significance for Hereditary cancer-predisposing syndrome. Last evaluated: 2025-07-03. Review status: criteria provided, single submitter. Criteria: Ambry Variant Classification Scheme 2023. Collection method: clinical testing. Allele origin: germline.
Comment: The p.G75C variant (also known as c.223G>T), located in coding exon 3 of the BRIP1 gene, results from a G to T substitution at nucleotide position 223. The glycine at codon 75 is replaced by cysteine, an amino acid with highly dissimilar properties. This amino acid position is not well conserved in available vertebrate species. In addition, this alteration is predicted to be tolerated by in silico analysis. Based on the available evidence, the clinical significance of this variant remains unclear.

Labcorp Genetics (formerly Invitae), Labcorp
Classification: Uncertain significance for Familial cancer of breast; Fanconi anemia complementation group J. Last evaluated: 2023-10-08. Review status: criteria provided, single submitter. Criteria: Invitae Variant Classification Sherloc (09022015). Collection method: clinical testing. Allele origin: germline.
Comment: This sequence change replaces glycine, which is neutral and non-polar, with cysteine, which is neutral and slightly polar, at codon 75 of the BRIP1 protein (p.Gly75Cys). This variant is not present in population databases (gnomAD no frequency). This variant has not been reported in the literature in individuals affected with BRIP1-related conditions. ClinVar contains an entry for this variant (Variation ID: 1360795). Advanced modeling of protein sequence and biophysical properties (such as structural, functional, and spatial information, amino acid conservation, physicochemical variation, residue mobility, and thermodynamic stability) performed at Invitae indicates that this missense variant is not expected to disrupt BRIP1 protein function. In summary, the available evidence is currently insufficient to determine the role of this variant in disease. Therefore, it has been classified as a Variant of Uncertain Significance.

NM_032043.3(BRIP1):c.223G>T (p.Gly75Cys)

Gene: BRIP1 (BRCA1 interacting DNA helicase 1; minus strand). Cytogenetic location: 17q23.2.
Variant type: single nucleotide variant.
Coding change: c.223G>T on transcript NM_032043.3 (MANE Select); coding-DNA position 223, G replaced by T.
Protein change: p.Gly75Cys; replaces glycine 75 with cysteine.
Molecular consequence: missense variant.
Genome position (GRCh38, 1-based): chr17:61,857,214, C>A on the plus strand (G>T on the coding strand, the complement: BRIP1 is on the minus strand). VCF-style: chr17-61857214-C-A. GRCh37 (hg19) VCF-style: chr17-59934575-C-A.
Other names: short protein forms G75C.
Identifiers: ClinVar variation 1360795 (VCV001360795.12), dbSNP rs1317680188, ClinGen allele CA400485593.